The following is an entry in ClinVar:

ClinVar aggregate classification (germline): Uncertain significance. Review status: criteria provided, multiple submitters, no conflicts (2 of 4 stars). 4 submissions from 4 submitters: Uncertain significance (3). 1 of the submissions does not count toward it. Last evaluated 2026-05-31.

Conditions:
Cystic fibrosis (CF). Also called: MUCOVISCIDOSIS. Identifiers: Orphanet 586, MedGen C0010674, MONDO:0009061, OMIM 219700. Disease mechanism: loss of function.
CFTR-related disorder (CFTR-RD). Also called: CFTR-related disorders; CFTR-related condition. Identifiers: MedGen C5924204, MONDO:7770004.

Allele frequency attached by ClinVar (database versions not stated): TOPMed below 0.00001; gnomAD exomes 0.00001.
gnomAD v4.1: 12 of 1,613,228 alleles (0.00074%); highest among the groups gnomAD compares: Non-Finnish European, 0.00093%; no homozygotes.

Submissions (4):

PreventionGenetics, part of Exact Sciences
Classification: Uncertain significance for CFTR-related condition. Last evaluated: 2026-05-31. Review status: criteria provided, single submitter. Criteria: ACMG Guidelines, 2015. Collection method: clinical testing. Allele origin: germline.
Comment: The CFTR c.212A>G variant is predicted to result in the amino acid substitution p.Asn71Ser. To our knowledge, this variant has not been reported in the literature or in a large population database (gnomAD), indicating this variant is rare. At this time, the clinical significance of this variant is uncertain due to the absence of conclusive functional and genetic evidence.

Women's Health and Genetics/Laboratory Corporation of America, LabCorp
Classification: Uncertain significance. Last evaluated: 2022-01-26. Review status: criteria provided, single submitter. Criteria: LabCorp Variant Classification Summary - May 2015. Collection method: clinical testing. Allele origin: germline.
Comment: Variant summary: CFTR c.212A>G (p.Asn71Ser) results in a conservative amino acid change in the encoded protein sequence. Two of four in-silico tools predict a benign effect of the variant on protein function. The variant was absent in 250978 control chromosomes (gnomAD). The available data on variant occurrences in the general population are insufficient to allow any conclusion about variant significance. To our knowledge, no occurrence of c.212A>G in individuals affected with Cystic Fibrosis and no experimental evidence demonstrating its impact on protein function have been reported. One clinical diagnostic laboratory has submitted clinical-significance assessments for this variant to ClinVar after 2014 and classified the variant as uncertain significance. Based on the evidence outlined above, the variant was classified as uncertain significance.

Labcorp Genetics (formerly Invitae), Labcorp
Classification: Uncertain significance for Cystic fibrosis. Last evaluated: 2021-09-01. Review status: criteria provided, single submitter. Criteria: Invitae Variant Classification Sherloc (09022015). Collection method: clinical testing. Allele origin: germline.
Comment: This sequence change replaces asparagine with serine at codon 71 of the CFTR protein (p.Asn71Ser). The asparagine residue is weakly conserved and there is a small physicochemical difference between asparagine and serine. This variant is not present in population databases (ExAC no frequency). This variant has not been reported in the literature in individuals affected with CFTR-related conditions. Algorithms developed to predict the effect of missense changes on protein structure and function (SIFT, PolyPhen-2, Align-GVGD) all suggest that this variant is likely to be tolerated. In summary, the available evidence is currently insufficient to determine the role of this variant in disease. Therefore, it has been classified as a Variant of Uncertain Significance.

Natera, Inc.
Classification: Uncertain significance for CFTR-related disorders. Last evaluated: 2021-01-29. Review status: no assertion criteria provided. Collection method: clinical testing. Allele origin: germline. Not counted in ClinVar's aggregate classification.

NM_000492.4(CFTR):c.212A>G (p.Asn71Ser)

Gene: CFTR (CF transmembrane conductance regulator; plus strand). Cytogenetic location: 7q31.2.
Variant type: single nucleotide variant.
Coding change: c.212A>G on transcript NM_000492.4 (MANE Select); coding-DNA position 212, A replaced by G.
Protein change: p.Asn71Ser; replaces asparagine 71 with serine.
Molecular consequence: missense variant.
Genome position (GRCh38, 1-based): chr7:117,509,081, A>G. VCF-style: chr7-117509081-A-G. GRCh37 (hg19) VCF-style: chr7-117149135-A-G.
Other names: short protein forms N71S.
Identifiers: ClinVar variation 950371 (VCV000950371.9), dbSNP rs1003610229, ClinGen allele CA164936983.